The following is an entry in ClinVar:

ClinVar aggregate classification (germline): Benign/Likely benign. Review status: criteria provided, multiple submitters, no conflicts (2 of 4 stars). 2 submissions from 2 submitters: Benign (1); Likely benign (1). Last evaluated 2026-09-01.

Allele frequency attached by ClinVar (database versions not stated): 1000 Genomes Project 30x 0.00187; 1000 Genomes Project 0.00200; TOPMed 0.00311; gnomAD 0.00339; ExAC 0.00364; gnomAD exomes 0.00437; ESP Exome Variant Server 0.00438.
gnomAD v4.1: 6,784 of 1,605,162 alleles (0.42%); highest among the groups gnomAD compares: South Asian, 0.54%; 26 homozygotes.

Submissions (2):

CeGaT Center for Human Genetics Tuebingen
Classification: Benign. Last evaluated: 2026-09-01. Review status: criteria provided, single submitter. Criteria: CeGaT Center For Human Genetics Tuebingen Variant Classification Criteria Version 2. Collection method: clinical testing. Allele origin: germline. Affected: yes. Observed: 16 variant alleles.
Comment: SPEN: BP4, BP7, BS1, BS2

Blueprint Genetics
Classification: Likely benign. Last evaluated: 2024-11-07. Review status: criteria provided, single submitter. Criteria: ACMG Guidelines, 2015. Collection method: clinical testing. Allele origin: germline.

NM_015001.3(SPEN):c.1605A>C (p.Arg535=)

Gene: SPEN (spen family transcriptional repressor; plus strand). Cytogenetic location: 1p36.13.
Variant type: single nucleotide variant.
Coding change: c.1605A>C on transcript NM_015001.3 (MANE Select); coding-DNA position 1605, A replaced by C.
Protein change: p.Arg535=; no amino-acid change (arginine 535 retained).
Molecular consequence: synonymous variant.
Genome position (GRCh38, 1-based): chr1:15,919,487, A>C. VCF-style: chr1-15919487-A-C. GRCh37 (hg19) VCF-style: chr1-16245982-A-C.
Identifiers: ClinVar variation 2578563 (VCV002578563.26), dbSNP rs61756185, ClinGen allele CA619090.